The following is an entry in ClinVar:

NM_181426.2(CCDC39):c.739-7A>G

Gene: CCDC39 (coiled-coil domain 39 molecular ruler complex subunit; minus strand). Cytogenetic location: 3q26.33.
Variant type: single nucleotide variant.
Coding change: c.739-7A>G on transcript NM_181426.2 (MANE Select); 7 bases into the intron before coding-DNA position 739, A replaced by G.
Molecular consequence: intron variant.
Genome position (GRCh38, 1-based): chr3:180,654,960, T>C on the plus strand (A>G on the coding strand, the complement: CCDC39 is on the minus strand). VCF-style: chr3-180654960-T-C. GRCh37 (hg19) VCF-style: chr3-180372748-T-C.
Identifiers: ClinVar variation 1482031 (VCV001482031.6), dbSNP rs2108426504, ClinGen allele CA2573136797.

ClinVar aggregate classification (germline): Uncertain significance (1 of 4 stars; one submission).

Conditions:
Primary ciliary dyskinesia. Also called: Ciliary dyskinesia. Identifiers: Orphanet 244, MedGen C0008780, MONDO:0016575, HP:0012265.

Allele frequency attached by ClinVar (database versions not stated): gnomAD exomes below 0.00001.
gnomAD v4.1: 1 of 1,489,662 alleles (0.000067%); highest among the groups gnomAD compares: African/African-American, 0.0014%; no homozygotes.

Submission:

Labcorp Genetics (formerly Invitae), Labcorp
Classification: Uncertain significance for Primary ciliary dyskinesia. Last evaluated: 2021-08-30. Review status: criteria provided, single submitter. Criteria: Invitae Variant Classification Sherloc (09022015). Collection method: clinical testing. Allele origin: germline.
Comment: This sequence change falls in intron 6 of the CCDC39 gene. It does not directly change the encoded amino acid sequence of the CCDC39 protein. This variant is not present in population databases (ExAC no frequency). This variant has been observed in individual(s) with clinical features of primary ciliary dyskinesia (Invitae). Algorithms developed to predict the effect of sequence changes on RNA splicing suggest that this variant may disrupt the consensus splice site. In summary, the available evidence is currently insufficient to determine the role of this variant in disease. Therefore, it has been classified as a Variant of Uncertain Significance.